The following is an entry in ClinVar:

ClinVar aggregate classification (germline): Uncertain significance (1 of 4 stars; one submission).

Conditions:
PNPT1-related disorder. Also called: PNPT1-related condition; PNPT1-related disorders.

gnomAD v4.1: 2 of 1,614,020 alleles (0.00012%); highest among the groups gnomAD compares: Admixed American, 0.0033%; no homozygotes.

Submission:

PreventionGenetics, part of Exact Sciences
Classification: Uncertain significance for PNPT1-related condition. Last evaluated: 2025-06-28. Review status: criteria provided, single submitter. Criteria: ACMG Guidelines, 2015. Collection method: clinical testing. Allele origin: germline.
Comment: The PNPT1 c.2039C>A variant is predicted to result in the amino acid substitution p.Ala680Glu. To our knowledge, this variant has not been reported in the literature. This variant is reported in 0.0029% of alleles in individuals of Latino descent in gnomAD. At this time, the clinical significance of this variant is uncertain due to the absence of conclusive functional and genetic evidence.

NM_033109.5(PNPT1):c.2039C>A (p.Ala680Glu)

Gene: PNPT1 (polyribonucleotide nucleotidyltransferase 1; minus strand). Cytogenetic location: 2p16.1.
Variant type: single nucleotide variant.
Coding change: c.2039C>A on transcript NM_033109.5 (MANE Select); coding-DNA position 2039, C replaced by A.
Protein change: p.Ala680Glu; replaces alanine 680 with glutamic acid.
Molecular consequence: missense variant.
Genome position (GRCh38, 1-based): chr2:55,643,188, G>T on the plus strand (C>A on the coding strand, the complement: PNPT1 is on the minus strand). VCF-style: chr2-55643188-G-T. GRCh37 (hg19) VCF-style: chr2-55870323-G-T.
Other names: short protein forms A680E.
Identifiers: ClinVar variation 4984591 (VCV004984591.1).
Genomic context (GRCh38, chr2:55,643,188, plus strand): 5'-TGCTCAGCATAGTATATTACTTGATATTACCTGATTTCAGTTATTGTGGCGGTATATACT[G>T]CTCCAAATTCTAATTGCTGCTCCTGCTGTAAGTGCAAAATAAGCCATAAGATTCATAAAG-3'
Protein context (NP_149100.2, residues 670-690): DDQEQQLEFG[Ala680Glu]VYTATITEIR